The following is an entry in ClinVar:

NM_024675.4(PALB2):c.2344C>T (p.Pro782Ser)

Gene: PALB2 (partner and localizer of BRCA2; minus strand). Cytogenetic location: 16p12.2.
Variant type: single nucleotide variant.
Coding change: c.2344C>T on transcript NM_024675.4 (MANE Select); coding-DNA position 2344, C replaced by T.
Protein change: p.Pro782Ser; replaces proline 782 with serine.
Molecular consequence: missense variant.
Genome position (GRCh38, 1-based): chr16:23,629,810, G>A on the plus strand (C>T on the coding strand, the complement: PALB2 is on the minus strand). VCF-style: chr16-23629810-G-A. GRCh37 (hg19) VCF-style: chr16-23641131-G-A.
Other names: short protein forms P782S.
Identifiers: ClinVar variation 186885 (VCV000186885.33), dbSNP rs786203296, ClinGen allele CA196135.

ClinVar aggregate classification (germline): Conflicting classifications of pathogenicity. Review status: criteria provided, conflicting classifications (1 of 4 stars). 11 submissions from 11 submitters: Uncertain significance (8); Likely benign (2). 1 of the submissions does not count toward it. Last evaluated 2025-08-28.

Conditions:
Familial cancer of breast. Also called: BREAST CANCER, FAMILIAL; Hereditary breast cancer; hereditary breast carcinoma. Identifiers: Orphanet 227535, MedGen C0346153, MONDO:0016419, OMIM 114480. Disease mechanism: loss of function.
Fanconi anemia complementation group N. Also called: PALB2-Related Fanconi Anemia. Identifiers: Orphanet 84, MedGen C1835817, MONDO:0012565, OMIM 610832. Disease mechanism: loss of function.
Pancreatic cancer, susceptibility to, 3. Identifiers: Orphanet 1333, MedGen C3150547, MONDO:0013236, OMIM 613348.
Hereditary cancer-predisposing syndrome. Also called: Hereditary Cancer Syndrome; Neoplastic Syndromes, Hereditary; Tumor predisposition; Hereditary neoplastic syndrome. Identifiers: Orphanet 140162, MedGen C0027672, MeSH D009386, MONDO:0015356.
Malignant tumor of breast. Also called: Cancer breast; Malignant breast neoplasm. Identifiers: MedGen C0006142, MONDO:0007254. Disease mechanism: loss of function.

Allele frequency attached by ClinVar (database versions not stated): gnomAD exomes below 0.00001; gnomAD 0.00001; TOPMed 0.00002.
gnomAD v4.1: 8 of 1,614,032 alleles (0.0005%); highest among the groups gnomAD compares: African/African-American, 0.0067%; no homozygotes.

Submissions (11):

Labcorp Genetics (formerly Invitae), Labcorp
Classification: Uncertain significance for Familial cancer of breast. Last evaluated: 2025-08-28. Review status: criteria provided, single submitter. Criteria: Invitae Variant Classification Sherloc (09022015). Collection method: clinical testing. Allele origin: germline.
Comment: This sequence change replaces proline, which is neutral and non-polar, with serine, which is neutral and polar, at codon 782 of the PALB2 protein (p.Pro782Ser). This variant is present in population databases (rs786203296, gnomAD 0.008%). This missense change has been observed in individual(s) with breast cancer (PMID: 31451522, 34326862). ClinVar contains an entry for this variant (Variation ID: 186885). Invitae Evidence Modeling of protein sequence and biophysical properties (such as structural, functional, and spatial information, amino acid conservation, physicochemical variation, residue mobility, and thermodynamic stability) indicates that this missense variant is not expected to disrupt PALB2 protein function with a negative predictive value of 80%. In summary, the available evidence is currently insufficient to determine the role of this variant in disease. Therefore, it has been classified as a Variant of Uncertain Significance.

Center for Genomic Medicine, Rigshospitalet, Copenhagen University Hospital
Classification: Uncertain significance. Last evaluated: 2025-03-04. Review status: criteria provided, single submitter. Criteria: ACMG Guidelines, 2015. Collection method: clinical testing. Allele origin: germline.

Ambry Genetics
Classification: Likely benign for Hereditary cancer-predisposing syndrome. Last evaluated: 2025-03-02. Review status: criteria provided, single submitter. Criteria: Ambry Variant Classification Scheme 2023. Collection method: clinical testing. Allele origin: germline.

Myriad Genetics, Inc.
Classification: Likely benign for Familial cancer of breast. Last evaluated: 2024-05-20. Review status: criteria provided, single submitter. Criteria: Myriad Autosomal Dominant, Autosomal Recessive and X-Linked Classification Criteria (2023). Collection method: clinical testing. Allele origin: unknown.
Comment: This variant is considered likely benign. This variant is strongly associated with less severe personal and family histories of cancer, typical for individuals without pathogenic variants in this gene [PMID: 25085752].

Quest Diagnostics Nichols Institute San Juan Capistrano
Classification: Uncertain significance. Last evaluated: 2024-04-19. Review status: criteria provided, single submitter. Criteria: Quest Diagnostics criteria. Collection method: clinical testing. Allele origin: unknown.
Comment: The PALB2 c.2344C>T (p.Pro782Ser) variant has been reported in the published literature in individuals/families affected with breast and/or ovarian cancer (PMIDs: 31451522 (2019), 32885271 (2021), 34326862 (2021)). The frequency of this variant in the general population, 0.0000071 (2/282822 chromosomes (Genome Aggregation Database)), is uninformative in the assessment of its pathogenicity. Analysis of this variant using bioinformatics tools for the prediction of the effect of amino acid changes on protein structure and function yielded predictions that this variant is benign. Based on the available information, we are unable to determine the clinical significance of this variant.

Women's Health and Genetics/Laboratory Corporation of America, LabCorp
Classification: Uncertain significance. Last evaluated: 2023-11-10. Review status: criteria provided, single submitter. Criteria: LabCorp Variant Classification Summary - May 2015. Collection method: clinical testing. Allele origin: germline.
Comment: Variant summary: PALB2 c.2344C>T (p.Pro782Ser) results in a non-conservative amino acid change in the encoded protein sequence. Four of five in-silico tools predict a benign effect of the variant on protein function. The variant allele was found at a frequency of 4e-06 in 251422 control chromosomes (gnomAD). The available data on variant occurrences in the general population are insufficient to allow any conclusion about variant significance. c.2344C>T has been reported in the literature in individuals with a personal or family history of PALB2-related cancer (e.g., Ebrahimi_2019, Bhai_2021, Lerner-Ellis_2021), however without strong evidence for causality (e.g., lack of co-segregation data). These reports therefore do not provide unequivocal conclusions about association of the variant with Prostate Cancer. To our knowledge, no experimental evidence demonstrating an impact on protein function has been reported. The following publications have been ascertained in the context of this evaluation (PMID: 34326862, 31451522, 32885271). Six submitters have reported clinical-significance assessments for this variant to ClinVar after 2014. All submitters classified the variant as uncertain significance. Based on the evidence outlined above, the variant was classified as uncertain significance.

GeneDx
Classification: Uncertain significance. Last evaluated: 2022-06-13. Review status: criteria provided, single submitter. Criteria: GeneDx Variant Classification Process June 2021. Collection method: clinical testing. Allele origin: germline. Affected: yes.
Comment: Not observed at significant frequency in large population cohorts (gnomAD); In silico analysis supports that this missense variant does not alter protein structure/function; Has not been previously published as pathogenic or benign to our knowledge; This variant is associated with the following publications: (PMID: 24485656)

Color Diagnostics, LLC DBA Color Health
Classification: Uncertain significance for Hereditary cancer-predisposing syndrome. Last evaluated: 2022-01-25. Review status: criteria provided, single submitter. Criteria: ACMG Guidelines, 2015. Collection method: clinical testing. Allele origin: germline.
Comment: This missense variant replaces proline with serine at codon 782 of the PALB2 protein. Computational prediction suggests that this variant may not impact protein structure and function (internally defined REVEL score threshold <= 0.5, PMID: 27666373). To our knowledge, functional studies have not been reported for this variant. This variant has not been reported in individuals affected with hereditary cancer in the literature. This variant has been identified in 2/282822 chromosomes in the general population by the Genome Aggregation Database (gnomAD). The available evidence is insufficient to determine the role of this variant in disease conclusively. Therefore, this variant is classified as a Variant of Uncertain Significance.

Fulgent Genetics
Classification: Uncertain significance for Familial cancer of breast; Fanconi anemia complementation group N; Pancreatic cancer, susceptibility to, 3. Last evaluated: 2021-09-28. Review status: criteria provided, single submitter. Criteria: ACMG Guidelines, 2015. Collection method: clinical testing. Allele origin: unknown.

Mendelics
Classification: Uncertain significance for Familial cancer of breast. Last evaluated: 2019-05-28. Review status: criteria provided, single submitter. Criteria: Mendelics Assertion Criteria 2017. Collection method: clinical testing. Allele origin: unknown.

Department of Pathology and Laboratory Medicine, Sinai Health System
Classification: Uncertain significance for Malignant tumor of breast. Review status: no assertion criteria provided. Collection method: clinical testing. Allele origin: unknown. Affected: yes. Observed: 1 variant allele. Study: The Canadian Open Genetics Repository (COGR). Not counted in ClinVar's aggregate classification.
Comment: The PALB2 p.Pro782Ser variant was not identified in the literature nor was it identified in the Cosmic, MutDB, LOVD 3.0, or Zhejiang University databases. The variant was identified in dbSNP (ID: rs786203296) as "With Uncertain significance allele", and in ClinVar (classified as uncertain significance by Ambry Genetics, Invitae, and GeneDx). The variant was identified in control databases in 2 of 277206 chromosomes at a frequency of 0.00001 (Genome Aggregation Database Feb 27, 2017). The variant observed in African population in 2 of 24026 chromosomes (freq: 0.0001), while the variant was not observed in the Ashkenazi Jewish, East Asian, Finnish, European, Latino, Other, and South Asian populations. The p.Pro782 residue is not conserved in mammals and four out of five computational analyses (PolyPhen-2, SIFT, AlignGVGD, BLOSUM, MutationTaster) do not suggest a high likelihood of impact to the protein; however, this information is not predictive enough to rule out pathogenicity. The variant occurs outside of the splicing consensus sequence and 1 of 5 in silico or computational prediction software programs (SpliceSiteFinder, MaxEntScan, NNSPLICE, GeneSplicer, HumanSpliceFinder) predict a greater than 10% difference in splicing; this is not very predictive of pathogenicity. In summary, based on the above information the clinical significance of this variant cannot be determined with certainty at this time. This variant is classified as a variant of uncertain significance.

Literature cited by the submitters: PubMed 31451522 (cited by 3 submitters); PubMed 34326862 (cited by 3 submitters); PubMed 32885271 (cited by 3 submitters); PubMed 25085752 (cited by Myriad Genetics, Inc.).